The following is an entry in ClinVar:

ClinVar aggregate classification (germline): Uncertain significance (1 of 4 stars; one submission).

Conditions:
Emery-Dreifuss muscular dystrophy (EDMD). Also called: Scapuloperoneal syndrome, X-linked (formerly); Humeroperoneal neuromuscular disease, (formerly). Identifiers: Orphanet 261, MedGen C0410189, MONDO:0016830.

Allele frequency attached by ClinVar (database versions not stated): gnomAD 0.00001.

Submission:

Labcorp Genetics (formerly Invitae), Labcorp
Classification: Uncertain significance for Emery-Dreifuss muscular dystrophy. Last evaluated: 2020-02-22. Review status: criteria provided, single submitter. Criteria: Invitae Variant Classification Sherloc (09022015). Collection method: clinical testing. Allele origin: germline.
Comment: This variant has not been reported in the literature in individuals with SUN2-related conditions. ClinVar contains an entry for this variant (Variation ID: 641394). Algorithms developed to predict the effect of sequence changes on RNA splicing suggest that this variant may create or strengthen a splice site, but this prediction has not been confirmed by published transcriptional studies. The current clinical and genetic evidence is not sufficient to establish whether loss-of-function variants in SUN2 cause disease. This sequence change creates a premature translational stop signal (p.Ala550Valfs*17) in the SUN2 gene. It is expected to result in an absent or disrupted protein product. This variant is not present in population databases (ExAC no frequency). In summary, the available evidence is currently insufficient to determine the role of this variant in disease. Therefore, it has been classified as a Variant of Uncertain Significance.

NM_015374.3(SUN2):c.1645_1648dup (p.Ala550fs)

Genes: GTPBP1 (GTP binding protein 1; plus strand), SUN2 (Sad1 and UNC84 domain containing 2; minus strand). Cytogenetic location: 22q13.1.
Variant type: Duplication.
Coding change: c.1645_1648dup on transcript NM_015374.3 (MANE Select); coding-DNA positions 1645 to 1648, 4 bases duplicated (TACG; older notation c.1645_1648dupTACG).
Protein change: p.Ala550fs; shifts the reading frame from alanine 550.
Molecular consequence: frameshift variant.
Genome position (GRCh38, 1-based): chr22:38,739,357-38,739,360, CGTA duplicated on the plus strand (TACG on the coding strand, the reverse complement: SUN2 is on the minus strand). VCF-style (leftmost placement, unchanged base first): chr22-38739356-G-GCGTA. GRCh37 (hg19) VCF-style: chr22-39135361-G-GCGTA.
Other names: c.1708_1711dup, p.Ala571fs (NM_001199579.2); c.1645_1648dup, p.Ala550fs (NM_001199580.2); short protein forms A550fs, A571fs.
Identifiers: ClinVar variation 641394 (VCV000641394.6), dbSNP rs1284194276, ClinGen allele CA639396982.